The following is an entry in ClinVar:

ClinVar aggregate classification (germline): Uncertain significance (1 of 4 stars; one submission).

Conditions:
Hereditary cancer-predisposing syndrome. Also called: Tumor predisposition; Hereditary neoplastic syndrome; Hereditary Cancer Syndrome; Neoplastic Syndromes, Hereditary. Identifiers: Orphanet 140162, MedGen C0027672, MeSH D009386, MONDO:0015356.

Allele frequency attached by ClinVar (database versions not stated): gnomAD exomes below 0.00001.
gnomAD v4.1: 1 of 1,566,804 alleles (0.000064%); highest among the groups gnomAD compares: Non-Finnish European, 0.000086%; no homozygotes.

Submission:

Ambry Genetics
Classification: Uncertain significance for Hereditary cancer-predisposing syndrome. Last evaluated: 2024-01-03. Review status: criteria provided, single submitter. Criteria: Ambry Variant Classification Scheme 2023. Collection method: clinical testing. Allele origin: germline.
Comment: The p.P916L variant (also known as c.2747C>T), located in coding exon 21 of the POLD1 gene, results from a C to T substitution at nucleotide position 2747. The proline at codon 916 is replaced by leucine, an amino acid with similar properties. This amino acid position is conserved. In addition, this alteration is predicted to be tolerated by in silico analysis. Since supporting evidence is limited at this time, the clinical significance of this alteration remains unclear.

NM_002691.4(POLD1):c.2747C>T (p.Pro916Leu)

Gene: POLD1 (DNA polymerase delta 1, catalytic subunit; plus strand). Cytogenetic location: 19q13.33.
Variant type: single nucleotide variant.
Coding change: c.2747C>T on transcript NM_002691.4 (MANE Select); coding-DNA position 2747, C replaced by T.
Protein change: p.Pro916Leu; replaces proline 916 with leucine.
Molecular consequence: missense variant.
Genome position (GRCh38, 1-based): chr19:50,415,753, C>T. VCF-style: chr19-50415753-C-T. GRCh37 (hg19) VCF-style: chr19-50919010-C-T.
Other names: c.2747C>T, p.Pro916Leu (NM_001256849.1); c.2825C>T, p.Pro942Leu (NM_001308632.1); short protein forms P916L, P942L.
Identifiers: ClinVar variation 3222725 (VCV003222725.1), dbSNP rs2514057728, ClinGen allele CA406985901.